The following is an entry in ClinVar:

ClinVar aggregate classification (germline): Uncertain significance (1 of 4 stars; one submission).

Conditions:
STAT3-related early-onset multisystem autoimmune disease. Also called: Autoimmune disease, multisystem, infantile-onset, 1. Identifiers: Orphanet 438159, MedGen C4014795, MONDO:0014414, OMIM 615952.

Submission:

Baylor Genetics
Classification: Uncertain significance for STAT3-related early-onset multisystem autoimmune disease. Last evaluated: 2020-05-06. Review status: criteria provided, single submitter. Criteria: ACMG Guidelines, 2015. Collection method: clinical testing. Allele origin: unknown. Affected: yes.
Comment: This variant was determined to be of uncertain significance according to ACMG Guidelines, 2015 [PMID:25741868].

NM_139276.3(STAT3):c.1129G>A (p.Ala377Thr)

Gene: STAT3 (signal transducer and activator of transcription 3; minus strand). Cytogenetic location: 17q21.2.
Variant type: single nucleotide variant.
Coding change: c.1129G>A on transcript NM_139276.3 (MANE Select); coding-DNA position 1129, G replaced by A.
Protein change: p.Ala377Thr; replaces alanine 377 with threonine.
Molecular consequence: missense variant.
Genome position (GRCh38, 1-based): chr17:42,329,757, C>T on the plus strand (G>A on the coding strand, the complement: STAT3 is on the minus strand). VCF-style: chr17-42329757-C-T. GRCh37 (hg19) VCF-style: chr17-40481775-C-T.
Other names: c.1129G>A, p.Ala377Thr (NM_001369512.1, NM_001369513.1, NM_001369514.1 and 12 more transcripts); c.1051G>A, p.Ala351Thr (NM_001384985.1); c.1144G>A, p.Ala382Thr (NM_001384986.1, NM_001384990.1); c.1033G>A, p.Ala345Thr (NM_001384989.1); c.1069G>A, p.Ala357Thr (NM_001384992.1); short protein forms A345T, A357T, A351T, A377T, A382T.
Identifiers: ClinVar variation 1027740 (VCV001027740.1), dbSNP rs2081912356, ClinGen allele CA399589363.
Genomic context (GRCh38, chr17:42,329,757, plus strand): 5'-GATGAAGTTAGGTTAAACGGAACAAAAGGAAGCCTCTAGGCTGAACTTACCCTCTGAGAG[C>T]TGCAACGTCCCCAGAGTCTCTGTAAGAACACAGACTGTTGTTAATAAAATAGGCTCTGTG-3'
Protein context (NP_644805.1, residues 367-387): CIDKDSGDVA[Ala377Thr]LRGSRKFNIL